The following is an entry in ClinVar:

ClinVar aggregate classification (germline): Benign. Review status: criteria provided, single submitter (1 of 4 stars). 2 submissions from 2 submitters: Benign (1). 1 of the submissions does not count toward it. Last evaluated 2025-06-18.

Conditions:
KMT2D-related disorder. Also called: KMT2D-Related Disorders.
Kabuki syndrome. Also called: NIIKAWA-KUROKI SYNDROME; Kabuki make-up syndrome. Identifiers: Orphanet 2322, MedGen C0796004, MONDO:0016512.

Submissions (2):

Labcorp Genetics (formerly Invitae), Labcorp
Classification: Benign for Kabuki syndrome. Last evaluated: 2025-06-18. Review status: criteria provided, single submitter. Criteria: Invitae Variant Classification Sherloc (09022015). Collection method: clinical testing. Allele origin: germline.

PreventionGenetics, part of Exact Sciences
Classification: Likely benign for KMT2D-related condition. Last evaluated: 2024-08-05. Review status: no assertion criteria provided. Collection method: clinical testing. Allele origin: germline. Not counted in ClinVar's aggregate classification.
Comment: This variant is classified as likely benign based on ACMG/AMP sequence variant interpretation guidelines (Richards et al. 2015 PMID: 25741868, with internal and published modifications).

NM_003482.4(KMT2D):c.14076-3dup

Gene: KMT2D (lysine methyltransferase 2D; minus strand). Cytogenetic location: 12q13.12.
Variant type: Duplication.
Coding change: c.14076-3dup on transcript NM_003482.4 (MANE Select); 3 bases into the intron before coding-DNA position 14076, one base duplicated (C; older notation c.14076-3dupC).
Molecular consequence: intron variant.
Genome position (GRCh38, 1-based): chr12:49,029,239, G duplicated on the plus strand (C on the coding strand, the reverse complement: KMT2D is on the minus strand); the first of 4 consecutive G bases (chr12:49,029,239-49,029,242); duplicating any one gives the same sequence. VCF-style (leftmost placement, unchanged base first): chr12-49029238-T-TG. GRCh37 (hg19) VCF-style: chr12-49423021-T-TG.
Other names: c.14076-3dupC (NM_003482.3).
Identifiers: ClinVar variation 2166790 (VCV002166790.5), dbSNP rs774852923, ClinGen allele CA6545830.